The following is an entry in ClinVar:

NM_004360.5(CDH1):c.465C>G (p.Asp155Glu)

Gene: CDH1 (cadherin 1; plus strand). Cytogenetic location: 16q22.1.
Variant type: single nucleotide variant.
Coding change: c.465C>G on transcript NM_004360.5 (MANE Select); coding-DNA position 465, C replaced by G.
Protein change: p.Asp155Glu; replaces aspartic acid 155 with glutamic acid.
Molecular consequence: missense variant. On other transcripts: 5 prime UTR variant (2).
Genome position (GRCh38, 1-based): chr16:68,808,501, C>G. VCF-style: chr16-68808501-C-G. GRCh37 (hg19) VCF-style: chr16-68842404-C-G.
Other names: c.465C>G, p.Asp155Glu (NM_001317184.2); c.-1151C>G (NM_001317185.2); c.-1355C>G (NM_001317186.2); short protein forms D155E.
Identifiers: ClinVar variation 825076 (VCV000825076.10), dbSNP rs1597890615, ClinGen allele CA396457676.
Genomic context (GRCh38, chr16:68,808,501, plus strand): 5'-CCAAGCAGAATTGCTCACATTTCCCAACTCCTCTCCTGGCCTCAGAAGACAGAAGAGAGA[C>G]TGGGTTATTCCTCCCATCAGCTGCCCAGAAAATGAAAAAGGCCCATTTCCTAAAAACCTG-3'
Protein context (NP_004351.1, residues 145-165): SSPGLRRQKR[Asp155Glu]WVIPPISCPE

ClinVar aggregate classification (germline): Uncertain significance. Review status: criteria provided, multiple submitters, no conflicts (2 of 4 stars). 2 submissions from 2 submitters: Uncertain significance (2). Last evaluated 2025-04-28.

Conditions:
Hereditary cancer-predisposing syndrome. Also called: Neoplastic Syndromes, Hereditary; Hereditary Cancer Syndrome; Hereditary neoplastic syndrome; Tumor predisposition. Identifiers: Orphanet 140162, MedGen C0027672, MeSH D009386, MONDO:0015356.
Hereditary diffuse gastric adenocarcinoma (HDGC). Also called: DIFFUSE GASTRIC AND LOBULAR BREAST CANCER SYNDROME. Identifiers: Orphanet 26106, MedGen C1708349, MONDO:0007648, OMIM 137215.

Submissions (2):

Labcorp Genetics (formerly Invitae), Labcorp
Classification: Uncertain significance for Hereditary diffuse gastric adenocarcinoma. Last evaluated: 2025-04-28. Review status: criteria provided, single submitter. Criteria: Invitae Variant Classification Sherloc (09022015). Collection method: clinical testing. Allele origin: germline.
Comment: This sequence change replaces aspartic acid, which is acidic and polar, with glutamic acid, which is acidic and polar, at codon 155 of the CDH1 protein (p.Asp155Glu). This variant is not present in population databases (gnomAD no frequency). This variant has not been reported in the literature in individuals affected with CDH1-related conditions. ClinVar contains an entry for this variant (Variation ID: 825076). An algorithm developed to predict the effect of missense changes on protein structure and function (PolyPhen-2) suggests that this variant is likely to be disruptive. In summary, the available evidence is currently insufficient to determine the role of this variant in disease. Therefore, it has been classified as a Variant of Uncertain Significance.

Ambry Genetics
Classification: Uncertain significance for Hereditary cancer-predisposing syndrome. Last evaluated: 2019-04-16. Review status: criteria provided, single submitter. Criteria: Ambry Variant Classification Scheme 2023. Collection method: clinical testing. Allele origin: germline.
Comment: The p.D155E variant (also known as c.465C>G), located in coding exon 4 of the CDH1 gene, results from a C to G substitution at nucleotide position 465. The aspartic acid at codon 155 is replaced by glutamic acid, an amino acid with highly similar properties. This amino acid position is well conserved in available vertebrate species. In addition, the in silico prediction for this alteration is inconclusive. Since supporting evidence is limited at this time, the clinical significance of this alteration remains unclear.